The following is an entry in ClinVar:

ClinVar aggregate classification (germline): Pathogenic (1 of 4 stars; one submission).

Submission:

Labcorp Genetics (formerly Invitae), Labcorp
Classification: Pathogenic. Last evaluated: 2025-12-08. Review status: criteria provided, single submitter. Criteria: Invitae Variant Classification Sherloc (09022015). Collection method: clinical testing. Allele origin: germline.
Comment: This sequence change creates a premature translational stop signal (p.Tyr16*) in the PDHX gene. It is expected to result in an absent or disrupted protein product. Loss-of-function variants in PDHX are known to be pathogenic (PMID: 16904023, 21914562). This variant is not present in population databases (gnomAD no frequency). This variant has not been reported in the literature in individuals affected with PDHX-related conditions. For these reasons, this variant has been classified as Pathogenic.

Literature cited by the submitters: PubMed 16904023; PubMed 21914562.

NM_003477.3(PDHX):c.48T>G (p.Tyr16Ter)

Genes: PDHX (pyruvate dehydrogenase complex component X; plus strand), LOC130005549 (ATAC-STARR-seq lymphoblastoid active region 4608; plus strand). Cytogenetic location: 11p13.
Variant type: single nucleotide variant.
Coding change: c.48T>G on transcript NM_003477.3 (MANE Select); coding-DNA position 48, T replaced by G.
Protein change: p.Tyr16Ter; replaces tyrosine 16 with a stop codon.
Molecular consequence: nonsense. On other transcripts: intron variant (1).
Genome position (GRCh38, 1-based): chr11:34,916,703, T>G. VCF-style: chr11-34916703-T-G. GRCh37 (hg19) VCF-style: chr11-34938250-T-G.
Other names: c.48T>G, p.Tyr16Ter (NM_001166158.2); c.-21+217T>G (NM_001135024.2); short protein forms Y16*.
Identifiers: ClinVar variation 4732735 (VCV004732735.1).